The following is an entry in ClinVar:

NM_014974.3(DIP2C):c.968C>T (p.Ala323Val)

Gene: DIP2C (DIP2 acetate--CoA ligase C (putative); minus strand). Cytogenetic location: 10p15.3.
Variant type: single nucleotide variant.
Coding change: c.968C>T on transcript NM_014974.3 (MANE Select); coding-DNA position 968, C replaced by T.
Protein change: p.Ala323Val; replaces alanine 323 with valine.
Molecular consequence: missense variant.
Genome position (GRCh38, 1-based): chr10:414,002, G>A on the plus strand (C>T on the coding strand, the complement: DIP2C is on the minus strand). VCF-style: chr10-414002-G-A. GRCh37 (hg19) VCF-style: chr10-459942-G-A.
Other names: short protein forms A323V.
Identifiers: ClinVar variation 4976430 (VCV004976430.1).

ClinVar aggregate classification (germline): Uncertain significance (1 of 4 stars; one submission).

Submission:

GeneDx
Classification: Uncertain significance. Last evaluated: 2026-02-08. Review status: criteria provided, single submitter. Criteria: GeneDx Variant Classification Process June 2021. Collection method: clinical testing. Allele origin: germline.
Comment: Not observed at significant frequency in large population cohorts (gnomAD); In silico analysis supports that this missense variant has a deleterious effect on protein structure/function; Has not been previously published as pathogenic or benign to our knowledge